The following is an entry in ClinVar:

ClinVar aggregate classification (germline): Uncertain significance. Review status: criteria provided, multiple submitters, no conflicts (2 of 4 stars). 5 submissions from 5 submitters: Uncertain significance (5). Last evaluated 2025-02-14.

Conditions:
Inborn genetic diseases. Identifiers: MedGen C0950123, MeSH D030342.
Developmental and epileptic encephalopathy, 18 (DEE18). Also called: Early infantile epileptic encephalopathy 18. Identifiers: Orphanet 369894, MedGen C3809624, MONDO:0014201, OMIM 615476.

Allele frequency attached by ClinVar (database versions not stated): TOPMed 0.00004; gnomAD 0.00005 and 0.00006; gnomAD exomes 0.00001 and 0.00003; ExAC 0.00002.
gnomAD v4.1: 26 of 1,613,658 alleles (0.0016%); highest among the groups gnomAD compares: African/African-American, 0.004%; no homozygotes.

Submissions (5):

Ambry Genetics
Classification: Uncertain significance for Inborn genetic diseases. Last evaluated: 2025-02-14. Review status: criteria provided, single submitter. Criteria: Ambry Variant Classification Scheme 2023. Collection method: clinical testing. Allele origin: germline.

Genome-Nilou Lab
Classification: Uncertain significance for Developmental and epileptic encephalopathy, 18. Last evaluated: 2023-04-11. Review status: criteria provided, single submitter. Criteria: ACMG Guidelines, 2015. Collection method: clinical testing. Allele origin: germline. Affected: no.

GeneDx
Classification: Uncertain significance. Last evaluated: 2022-09-26. Review status: criteria provided, single submitter. Criteria: GeneDx Variant Classification Process June 2021. Collection method: clinical testing. Allele origin: germline. Affected: yes.
Comment: Not observed at significant frequency in large population cohorts (gnomAD); In silico analysis supports that this missense variant has a deleterious effect on protein structure/function; Has not been previously published as pathogenic or benign to our knowledge

Labcorp Genetics (formerly Invitae), Labcorp
Classification: Uncertain significance. Last evaluated: 2022-07-05. Review status: criteria provided, single submitter. Criteria: Invitae Variant Classification Sherloc (09022015). Collection method: clinical testing. Allele origin: germline.
Comment: This sequence change replaces proline, which is neutral and non-polar, with leucine, which is neutral and non-polar, at codon 2682 of the SZT2 protein (p.Pro2682Leu). This variant is present in population databases (rs774032264, gnomAD 0.006%). This variant has not been reported in the literature in individuals affected with SZT2-related conditions. ClinVar contains an entry for this variant (Variation ID: 586773). Algorithms developed to predict the effect of missense changes on protein structure and function are either unavailable or do not agree on the potential impact of this missense change (SIFT: "Tolerated"; PolyPhen-2: "Probably Damaging"; Align-GVGD: "Class C15"). In summary, the available evidence is currently insufficient to determine the role of this variant in disease. Therefore, it has been classified as a Variant of Uncertain Significance.

Athena Diagnostics
Classification: Uncertain significance. Last evaluated: 2018-04-20. Review status: criteria provided, single submitter. Criteria: Athena Diagnostics Criteria. Collection method: clinical testing. Allele origin: germline.

Literature cited by the submitters: PubMed 31440721 (cited by Ambry Genetics); PubMed 38539105 (cited by Ambry Genetics).

NM_001365999.1(SZT2):c.8216C>T (p.Pro2739Leu)

Gene: SZT2 (SZT2 subunit of KICSTOR complex; plus strand). Cytogenetic location: 1p34.2.
Variant type: single nucleotide variant.
Coding change: c.8216C>T on transcript NM_001365999.1 (MANE Select); coding-DNA position 8216, C replaced by T.
Protein change: p.Pro2739Leu; replaces proline 2739 with leucine.
Molecular consequence: missense variant.
Genome position (GRCh38, 1-based): chr1:43,442,883, C>T. VCF-style: chr1-43442883-C-T. GRCh37 (hg19) VCF-style: chr1-43908554-C-T.
Other names: c.8045C>T, p.Pro2682Leu (NM_015284.4); short protein forms P2682L, P2739L.
Identifiers: ClinVar variation 586773 (VCV000586773.14), dbSNP rs774032264, ClinGen allele CA810484.
Genomic context (GRCh38, chr1:43,442,883, plus strand): 5'-CAAACCCATTCCTGCTGCCGACCATGGAAGTGGAGACCCTCATCCGGAGTGCAAGTCCCC[C>T]GCTGAGCCGTGAGCAGGGCCGACTGAGTGGGTCCTCTCGTGGTGGGGGTCCTCTTCCCCT-3'
Protein context (NP_001352928.1, residues 2729-2749): VETLIRSASP[Pro2739Leu]LSREQGRLSG